The following is an entry in ClinVar:

ClinVar aggregate classification (germline): Uncertain significance. Review status: criteria provided, multiple submitters, no conflicts (2 of 4 stars). 2 submissions from 2 submitters: Uncertain significance (2). Last evaluated 2023-06-06.

Conditions:
FUS-related disorder. Also called: FUS-related condition.
Tremor, hereditary essential, 4 (ETM4). Identifiers: MedGen C3539195, MONDO:0013888, OMIM 614782.
Amyotrophic lateral sclerosis type 6. Also called: FUS-Related Amyotrophic Laterial Sclerosis; Amyotrophic lateral sclerosis 6, with or without frontotemporal dementia; AMYOTROPHIC LATERAL SCLEROSIS 6 WITHOUT FRONTOTEMPORAL DEMENTIA. Identifiers: Orphanet 275872, Orphanet 803, MedGen C2931786, MONDO:0011951, OMIM 608030.

gnomAD v4.1: 1 of 1,610,854 alleles (0.000062%); highest among the groups gnomAD compares: Non-Finnish European, 0.000085%; no homozygotes.

Submissions (2):

PreventionGenetics, part of Exact Sciences
Classification: Uncertain significance for FUS-related condition. Last evaluated: 2023-06-06. Review status: criteria provided, single submitter. Criteria: ACMG Guidelines, 2015. Collection method: clinical testing. Allele origin: germline.
Comment: The FUS c.649G>C variant is predicted to result in the amino acid substitution p.Gly217Arg. To our knowledge, this variant has not been reported in the literature or in a large population database, indicating this variant is rare. At this time, the clinical significance of this variant is uncertain due to the absence of conclusive functional and genetic evidence.

Labcorp Genetics (formerly Invitae), Labcorp
Classification: Uncertain significance for Tremor, hereditary essential, 4; Amyotrophic lateral sclerosis type 6. Last evaluated: 2021-05-26. Review status: criteria provided, single submitter. Criteria: Invitae Variant Classification Sherloc (09022015). Collection method: clinical testing. Allele origin: germline.
Comment: In summary, the available evidence is currently insufficient to determine the role of this variant in disease. Therefore, it has been classified as a Variant of Uncertain Significance. Algorithms developed to predict the effect of missense changes on protein structure and function are either unavailable or do not agree on the potential impact of this missense change (SIFT: "Deleterious"; PolyPhen-2: "Not Available"; Align-GVGD: "Class C15"). This variant has not been reported in the literature in individuals with FUS-related conditions. This variant is not present in population databases (ExAC no frequency). This sequence change replaces glycine with arginine at codon 217 of the FUS protein (p.Gly217Arg). The glycine residue is highly conserved and there is a moderate physicochemical difference between glycine and arginine.

NM_004960.4(FUS):c.649G>C (p.Gly217Arg)

Gene: FUS (FUS RNA binding protein; plus strand). Cytogenetic location: 16p11.2.
Variant type: single nucleotide variant.
Coding change: c.649G>C on transcript NM_004960.4 (MANE Select); coding-DNA position 649, G replaced by C.
Protein change: p.Gly217Arg; replaces glycine 217 with arginine.
Molecular consequence: missense variant. On other transcripts: non-coding transcript variant (1).
Genome position (GRCh38, 1-based): chr16:31,185,064, G>C. VCF-style: chr16-31185064-G-C. GRCh37 (hg19) VCF-style: chr16-31196385-G-C.
Other names: c.646G>C, p.Gly216Arg (NM_001170634.1); c.637G>C, p.Gly213Arg (NM_001170937.1); c.649G>C (NM_004960.3); short protein forms G213R, G216R, G217R.
Identifiers: ClinVar variation 1390161 (VCV001390161.8), dbSNP rs565915110, ClinGen allele CA395669999.